The following is an entry in ClinVar:

NM_182641.4(BPTF):c.6310A>G (p.Thr2104Ala)

Gene: BPTF (bromodomain PHD finger transcription factor; plus strand). Cytogenetic location: 17q24.2.
Variant type: single nucleotide variant.
Coding change: c.6310A>G on transcript NM_182641.4 (MANE Select); coding-DNA position 6310, A replaced by G.
Protein change: p.Thr2104Ala; replaces threonine 2104 with alanine.
Molecular consequence: missense variant.
Genome position (GRCh38, 1-based): chr17:67,940,489, A>G. VCF-style: chr17-67940489-A-G. GRCh37 (hg19) VCF-style: chr17-65936605-A-G.
Other names: c.6688A>G, p.Thr2230Ala (NM_004459.7); short protein forms T2104A, T2230A.
Identifiers: ClinVar variation 3234555 (VCV003234555.20), dbSNP rs782763517, ClinGen allele CA8726177.

ClinVar aggregate classification (germline): Uncertain significance (1 of 4 stars; one submission).

Allele frequency attached by ClinVar (database versions not stated): gnomAD exomes below 0.00001; ExAC 0.00001.
gnomAD v4.1: 4 of 1,614,104 alleles (0.00025%); highest among the groups gnomAD compares: Non-Finnish European, 0.00034%; no homozygotes.

Submission:

CeGaT Center for Human Genetics Tuebingen
Classification: Uncertain significance. Last evaluated: 2024-04-01. Review status: criteria provided, single submitter. Criteria: CeGaT Center For Human Genetics Tuebingen Variant Classification Criteria Version 2. Collection method: clinical testing. Allele origin: germline. Affected: yes. Observed: 1 variant allele.
Comment: BPTF: PM2, BP4